The following is an entry in ClinVar:

ClinVar aggregate classification (germline): Uncertain significance (0 of 4 stars; one submission).

Conditions:
SH2B1-related disorder. Also called: SH2B1-related condition.

gnomAD v4.1: 1 of 1,614,152 alleles (0.000062%); highest among the groups gnomAD compares: Non-Finnish European, 0.000085%; no homozygotes.

Submission:

PreventionGenetics, part of Exact Sciences
Classification: Uncertain significance for SH2B1-related condition. Last evaluated: 2024-08-01. Review status: no assertion criteria provided. Collection method: clinical testing. Allele origin: germline.
Comment: The SH2B1 c.1799T>C variant is predicted to result in the amino acid substitution p.Met600Thr. To our knowledge, this variant has not been reported in the literature or in a large population database, indicating this variant is rare. At this time, the clinical significance of this variant is uncertain due to the absence of conclusive functional and genetic evidence.

NM_001387430.1(SH2B1):c.1799T>C (p.Met600Thr)

Gene: SH2B1 (SH2B adaptor protein 1; plus strand). Cytogenetic location: 16p11.2.
Variant type: single nucleotide variant.
Coding change: c.1799T>C on transcript NM_001387430.1 (MANE Select); coding-DNA position 1799, T replaced by C.
Protein change: p.Met600Thr; replaces methionine 600 with threonine.
Molecular consequence: missense variant.
Genome position (GRCh38, 1-based): chr16:28,872,607, T>C. VCF-style: chr16-28872607-T-C. GRCh37 (hg19) VCF-style: chr16-28883928-T-C.
Other names: c.1799T>C, p.Met600Thr (NM_001145795.2, NM_001145796.2, NM_001145797.2 and 4 more transcripts); c.791T>C, p.Met264Thr (NM_001308294.2); short protein forms M264T, M600T.
Identifiers: ClinVar variation 3345810 (VCV003345810.1).